The following is an entry in ClinVar:

ClinVar aggregate classification (germline): Uncertain significance. Review status: criteria provided, multiple submitters, no conflicts (2 of 4 stars). 3 submissions from 3 submitters: Uncertain significance (3). Last evaluated 2023-04-11.

Conditions:
Geroderma osteodysplastica (GO). Also called: WALT DISNEY DWARFISM; Geroderma osteodysplasticum. Identifiers: Orphanet 2078, MedGen C0432255, MONDO:0009271, OMIM 231070.

Allele frequency attached by ClinVar (database versions not stated): gnomAD exomes 0.00001; ExAC 0.00002.
gnomAD v4.1: 8 of 1,614,012 alleles (0.0005%); highest among the groups gnomAD compares: Middle Eastern, 0.016%; no homozygotes.

Submissions (3):

Genome-Nilou Lab
Classification: Uncertain significance for Geroderma osteodysplastica. Last evaluated: 2023-04-11. Review status: criteria provided, single submitter. Criteria: ACMG Guidelines, 2015. Collection method: clinical testing. Allele origin: germline. Affected: no.

Labcorp Genetics (formerly Invitae), Labcorp
Classification: Uncertain significance. Last evaluated: 2022-01-27. Review status: criteria provided, single submitter. Criteria: Invitae Variant Classification Sherloc (09022015). Collection method: clinical testing. Allele origin: germline.
Comment: This sequence change replaces threonine, which is neutral and polar, with alanine, which is neutral and non-polar, at codon 117 of the GORAB protein (p.Thr117Ala). This variant is present in population databases (rs759352018, gnomAD 0.002%). This variant has not been reported in the literature in individuals affected with GORAB-related conditions. ClinVar contains an entry for this variant (Variation ID: 293652). Algorithms developed to predict the effect of missense changes on protein structure and function output the following: SIFT: "Tolerated"; PolyPhen-2: "Benign"; Align-GVGD: "Class C0". The alanine amino acid residue is found in multiple mammalian species, which suggests that this missense change does not adversely affect protein function. In summary, the available evidence is currently insufficient to determine the role of this variant in disease. Therefore, it has been classified as a Variant of Uncertain Significance.

Illumina Laboratory Services, Illumina
Classification: Uncertain significance for Geroderma osteodysplastica. Last evaluated: 2018-01-12. Review status: criteria provided, single submitter. Criteria: ICSL Variant Classification Criteria 13 December 2019. Collection method: clinical testing. Allele origin: germline.

NM_152281.3(GORAB):c.274A>G (p.Thr92Ala)

Gene: GORAB (golgin, RAB6 interacting; plus strand). Cytogenetic location: 1q24.2.
Variant type: single nucleotide variant.
Coding change: c.274A>G on transcript NM_152281.3 (MANE Select); coding-DNA position 274, A replaced by G.
Protein change: p.Thr92Ala; replaces threonine 92 with alanine.
Molecular consequence: missense variant. On other transcripts: 5 prime UTR variant (1), non-coding transcript variant (1).
Genome position (GRCh38, 1-based): chr1:170,539,422, A>G. VCF-style: chr1-170539422-A-G. GRCh37 (hg19) VCF-style: chr1-170508563-A-G.
Other names: c.274A>G, p.Thr92Ala (NM_001146039.2); c.-192A>G (NM_001320252.2); short protein forms T117A, T92A.
Identifiers: ClinVar variation 293652 (VCV000293652.7), dbSNP rs759352018, ClinGen allele CA1239077.